The following is an entry in ClinVar:

ClinVar aggregate classification (germline): Uncertain significance. Review status: criteria provided, multiple submitters, no conflicts (2 of 4 stars). 5 submissions from 5 submitters: Uncertain significance (4). 1 of the submissions does not count toward it. Last evaluated 2025-09-14.

Conditions:
Classic or attenuated familial adenomatous polyposis. Identifiers: MedGen CN372698, MONDO:0021057.
Hereditary cancer-predisposing syndrome. Also called: Hereditary neoplastic syndrome; Neoplastic Syndromes, Hereditary; Hereditary Cancer Syndrome; Tumor predisposition. Identifiers: Orphanet 140162, MedGen C0027672, MeSH D009386, MONDO:0015356.
Familial adenomatous polyposis 1 (FAP1). Also called: FAMILIAL ADENOMATOUS POLYPOSIS 1, ATTENUATED; POLYPOSIS, ADENOMATOUS INTESTINAL. Identifiers: MedGen C2713442, MONDO:0021056, OMIM 175100. Disease mechanism: loss of function.

Submissions (5):

Labcorp Genetics (formerly Invitae), Labcorp
Classification: Uncertain significance for Familial adenomatous polyposis 1. Last evaluated: 2025-09-14. Review status: criteria provided, single submitter. Criteria: Invitae Variant Classification Sherloc (09022015). Collection method: clinical testing. Allele origin: germline.
Comment: This sequence change replaces threonine, which is neutral and polar, with isoleucine, which is neutral and non-polar, at codon 2820 of the APC protein (p.Thr2820Ile). This variant is not present in population databases (gnomAD no frequency). This variant has not been reported in the literature in individuals affected with APC-related conditions. ClinVar contains an entry for this variant (Variation ID: 41538). Invitae Evidence Modeling of protein sequence and biophysical properties (such as structural, functional, and spatial information, amino acid conservation, physicochemical variation, residue mobility, and thermodynamic stability) indicates that this missense variant is not expected to disrupt APC protein function with a negative predictive value of 95%. In summary, the available evidence is currently insufficient to determine the role of this variant in disease. Therefore, it has been classified as a Variant of Uncertain Significance.

Ambry Genetics
Classification: Uncertain significance for Hereditary cancer-predisposing syndrome. Last evaluated: 2025-01-14. Review status: criteria provided, single submitter. Criteria: Ambry Variant Classification Scheme 2023. Collection method: clinical testing. Allele origin: germline.
Comment: The p.T2820I variant (also known as c.8459C>T), located in coding exon 15 of the APC gene, results from a C to T substitution at nucleotide position 8459. The threonine at codon 2820 is replaced by isoleucine, an amino acid with similar properties. Missense alterations in APC are not a common cause of disease (Spier I et al. Genet Med. 2024 Feb;26(2):100992). This amino acid position is not well conserved in available vertebrate species. In addition, in silico predictors for this gene do not accurately predict pathogenicity. Based on the available evidence, the clinical significance of this variant remains unclear.

All of Us Research Program, National Institutes of Health
Classification: Uncertain significance for Classic or attenuated familial adenomatous polyposis. Last evaluated: 2023-12-01. Review status: criteria provided, single submitter. Criteria: ACMG Guidelines, 2015. Collection method: clinical testing. Allele origin: germline. Inheritance: Autosomal dominant inheritance. Observed: 1 variant allele, 1 heterozygote.
Comment: This missense variant replaces threonine with isoleucine at codon 2820 of the APC protein. Computational prediction suggests that this variant may not impact protein structure and function (internally defined REVEL score threshold <= 0.5, PMID: 27666373). To our knowledge, functional studies have not been reported for this variant. This variant has not been reported in individuals affected with hereditary cancer in the literature. This variant has not been identified in the general population by the Genome Aggregation Database (gnomAD). The available evidence is insufficient to determine the role of this variant in disease conclusively. Therefore, this variant is classified as a Variant of Uncertain Significance.

This study involves interpretation of variants in research participants for the purpose of population health screening. Participant phenotype was not available at the time of variant classification. Additional details can be found in publication PMID: 35346344, PMCID: PMC8962531

Color Diagnostics, LLC DBA Color Health
Classification: Uncertain significance for Hereditary cancer-predisposing syndrome. Last evaluated: 2022-04-18. Review status: criteria provided, single submitter. Criteria: ACMG Guidelines, 2015. Collection method: clinical testing. Allele origin: germline.
Comment: This missense variant replaces threonine with isoleucine at codon 2820 of the APC protein. Computational prediction suggests that this variant may not impact protein structure and function (internally defined REVEL score threshold <= 0.5, PMID: 27666373). To our knowledge, functional studies have not been reported for this variant. This variant has not been reported in individuals affected with hereditary cancer in the literature. This variant has not been identified in the general population by the Genome Aggregation Database (gnomAD). The available evidence is insufficient to determine the role of this variant in disease conclusively. Therefore, this variant is classified as a Variant of Uncertain Significance.

Biesecker Lab/Clinical Genomics Section, National Institutes of Health
Classification: Uncertain significance. Last evaluated: 2012-07-13. Review status: no assertion criteria provided. Collection method: research. Allele origin: germline. Affected: no. Observed: 1 variant allele. Study: ClinSeq. Not counted in ClinVar's aggregate classification.
ClinVar note: Converted during submission from variant of unknown significance to Uncertain significance.

NM_000038.6(APC):c.8459C>T (p.Thr2820Ile)

Gene: APC (APC regulator of Wnt signaling pathway; plus strand). Cytogenetic location: 5q22.2.
Variant type: single nucleotide variant.
Coding change: c.8459C>T on transcript NM_000038.6 (MANE Select); coding-DNA position 8459, C replaced by T.
Protein change: p.Thr2820Ile; replaces threonine 2820 with isoleucine.
Molecular consequence: missense variant.
Genome position (GRCh38, 1-based): chr5:112,844,053, C>T. VCF-style: chr5-112844053-C-T. GRCh37 (hg19) VCF-style: chr5-112179750-C-T.
Other names: c.8459C>T, p.Thr2820Ile (NM_001127510.3, NM_001354895.2); c.8405C>T, p.Thr2802Ile (NM_001127511.3); c.8513C>T, p.Thr2838Ile (NM_001354896.2); c.8489C>T, p.Thr2830Ile (NM_001354897.2); c.8384C>T, p.Thr2795Ile (NM_001354898.2); c.8375C>T, p.Thr2792Ile (NM_001354899.2); c.8336C>T, p.Thr2779Ile (NM_001354900.2); c.8282C>T, p.Thr2761Ile (NM_001354901.2); and 5 more; short protein forms T2820I, T2802I, T2694I, T2779I, T2537I, T2660I, T2719I, T2761I.
Identifiers: ClinVar variation 41538 (VCV000041538.15), dbSNP rs200790804, ClinGen allele CA015504.